The following is an entry in ClinVar:

NM_004055.5(CAPN5):c.1649G>T (p.Arg550Leu)

Gene: CAPN5 (calpain 5; plus strand). Cytogenetic location: 11q13.5.
Variant type: single nucleotide variant.
Coding change: c.1649G>T on transcript NM_004055.5 (MANE Select); coding-DNA position 1649, G replaced by T.
Protein change: p.Arg550Leu; replaces arginine 550 with leucine.
Molecular consequence: missense variant.
Genome position (GRCh38, 1-based): chr11:77,122,621, G>T. VCF-style: chr11-77122621-G-T. GRCh37 (hg19) VCF-style: chr11-76833667-G-T.
Other names: short protein forms R550L.
Identifiers: ClinVar variation 1953297 (VCV001953297.7), dbSNP rs782717683, ClinGen allele CA6196866.
Genomic context (GRCh38, chr11:77,122,621, plus strand): 5'-ACTCCCTCTCCCTAGGGGCTAACTCTTATGTGATCATCAAGTGTGAGGGAGACAAAGTCC[G>T]CTCGGCTGTGCAGAAGGGCACCTCCACACCAGAGTACAATGTGAAAGGCATCTTCTACCG-3'
Protein context (NP_004046.2, residues 540-560): VIIKCEGDKV[Arg550Leu]SAVQKGTSTP

ClinVar aggregate classification (germline): Uncertain significance. Review status: criteria provided, multiple submitters, no conflicts (2 of 4 stars). 3 submissions from 3 submitters: Uncertain significance (2). 1 of the submissions does not count toward it. Last evaluated 2024-06-04.

Conditions:
Retinal dystrophy. Also called: Inherited retinal dystrophy. Identifiers: Orphanet 71862, MedGen C0854723, MeSH D058499, MONDO:0019118, HP:0000556.

gnomAD v4.1: 27 of 1,601,698 alleles (0.0017%); highest among the groups gnomAD compares: African/African-American, 0.0027%; no homozygotes.

Submissions (3):

Labcorp Genetics (formerly Invitae), Labcorp
Classification: Uncertain significance. Last evaluated: 2024-06-04. Review status: criteria provided, single submitter. Criteria: Invitae Variant Classification Sherloc (09022015). Collection method: clinical testing. Allele origin: germline.
Comment: This sequence change replaces arginine, which is basic and polar, with leucine, which is neutral and non-polar, at codon 550 of the CAPN5 protein (p.Arg550Leu). The frequency data for this variant in the population databases is considered unreliable, as metrics indicate poor data quality at this position in the gnomAD database. This variant has not been reported in the literature in individuals affected with CAPN5-related conditions. ClinVar contains an entry for this variant (Variation ID: 1953297). An algorithm developed to predict the effect of missense changes on protein structure and function (PolyPhen-2) suggests that this variant is likely to be tolerated. In summary, the available evidence is currently insufficient to determine the role of this variant in disease. Therefore, it has been classified as a Variant of Uncertain Significance.

Blueprint Genetics
Classification: Uncertain significance. Last evaluated: 2023-11-29. Review status: criteria provided, single submitter. Criteria: ACMG Guidelines, 2015. Collection method: clinical testing. Allele origin: germline.

Institute of Human Genetics, Univ. Regensburg, Univ. Regensburg
Classification: Uncertain significance for Retinal dystrophy. Last evaluated: 2023-01-01. Review status: no assertion criteria provided. Criteria: ACMG Guidelines, 2015. Collection method: clinical testing. Allele origin: germline. Affected: yes. Not counted in ClinVar's aggregate classification.